The following is an entry in ClinVar:

NM_031407.7(HUWE1):c.3804A>G (p.Arg1268=)

Genes: HUWE1 (HECT, UBA and WWE domain containing E3 ubiquitin protein ligase 1; minus strand), LOC126863263 (BRD4-independent group 4 enhancer GRCh37_chrX:53619238-53620437; plus strand). Cytogenetic location: Xp11.22.
Variant type: single nucleotide variant.
Coding change: c.3804A>G on transcript NM_031407.7 (MANE Select); coding-DNA position 3804, A replaced by G.
Protein change: p.Arg1268=; no amino-acid change (arginine 1268 retained).
Molecular consequence: synonymous variant.
Genome position (GRCh38, 1-based): chrX:53,592,566, T>C on the plus strand (A>G on the coding strand, the complement: HUWE1 is on the minus strand). VCF-style: chrX-53592566-T-C. GRCh37 (hg19) VCF-style: chrX-53619526-T-C.
Other names: c.3804A>G, p.Arg1268= (NM_001441048.1, NM_001441049.1, NM_001441051.1 and 6 more transcripts); c.3825A>G, p.Arg1275= (NM_001441050.1, NM_001441055.1).
Identifiers: ClinVar variation 4875317 (VCV004875317.2).

ClinVar aggregate classification (germline): Likely benign (1 of 4 stars; one submission).

gnomAD v4.1: 1 of 1,211,539 alleles (0.000083%); no homozygotes.

Submission:

CeGaT Center for Human Genetics Tuebingen
Classification: Likely benign. Last evaluated: 2026-06-01. Review status: criteria provided, single submitter. Criteria: CeGaT Center For Human Genetics Tuebingen Variant Classification Criteria Version 2. Collection method: clinical testing. Allele origin: germline. Affected: yes. Observed: 1 variant allele.
Comment: HUWE1: BP4, BP7